The following is an entry in ClinVar:

NM_000020.3(ACVRL1):c.1463C>T (p.Thr488Ile)

Gene: ACVRL1 (activin A receptor like type 1; plus strand). Cytogenetic location: 12q13.13.
Variant type: single nucleotide variant.
Coding change: c.1463C>T on transcript NM_000020.3 (MANE Select); coding-DNA position 1463, C replaced by T.
Protein change: p.Thr488Ile; replaces threonine 488 with isoleucine.
Molecular consequence: missense variant.
Genome position (GRCh38, 1-based): chr12:51,920,844, C>T. VCF-style: chr12-51920844-C-T. GRCh37 (hg19) VCF-style: chr12-52314628-C-T.
Other names: c.1463C>T, p.Thr488Ile (NM_001077401.2, NM_001406487.1); c.1307C>T, p.Thr436Ile (NM_001406490.1); c.1151C>T, p.Thr384Ile (NM_001406491.1, NM_001406492.1); c.953C>T, p.Thr318Ile (NM_001406494.1); c.899C>T, p.Thr300Ile (NM_001406495.1); short protein forms T300I, T318I, T384I, T436I, T488I.
Identifiers: ClinVar variation 4976452 (VCV004976452.1).
Genomic context (GRCh38, chr12:51,920,844, plus strand): 5'-TGCGGGAGTGCTGGTACCCAAACCCCTCTGCCCGACTCACCGCGCTGCGGATCAAGAAGA[C>T]ACTACAAAAAATTAGCAACAGTCCAGAGAAGCCTAAAGTGATTCAATAGCCCAGGAGCAC-3'
Protein context (NP_000011.2, residues 478-498): ARLTALRIKK[Thr488Ile]LQKISNSPEK

ClinVar aggregate classification (germline): Uncertain significance (1 of 4 stars; one submission).

Submission:

GeneDx
Classification: Uncertain significance. Last evaluated: 2026-02-12. Review status: criteria provided, single submitter. Criteria: GeneDx Variant Classification Process June 2021. Collection method: clinical testing. Allele origin: germline.
Comment: Not observed at significant frequency in large population cohorts (gnomAD); In silico analysis supports that this missense variant has a deleterious effect on protein structure/function; Has not been previously published as pathogenic or benign to our knowledge